The following is an entry in ClinVar:

NM_198578.4(LRRK2):c.3938G>A (p.Cys1313Tyr)

Gene: LRRK2 (leucine rich repeat kinase 2; plus strand). Cytogenetic location: 12q12.
Variant type: single nucleotide variant.
Coding change: c.3938G>A on transcript NM_198578.4 (MANE Select); coding-DNA position 3938, G replaced by A.
Protein change: p.Cys1313Tyr; replaces cysteine 1313 with tyrosine.
Molecular consequence: missense variant.
Genome position (GRCh38, 1-based): chr12:40,305,945, G>A. VCF-style: chr12-40305945-G-A. GRCh37 (hg19) VCF-style: chr12-40699747-G-A.
Other names: short protein forms C1313Y.
Identifiers: ClinVar variation 3291850 (VCV003291850.1).
Genomic context (GRCh38, chr12:40,305,945, plus strand): 5'-AAATATGGGATCTTCCTTTGGATGAACTGCATCTTAACTTTGATTTTAAACATATAGGAT[G>A]TAAAGCCAAAGACATCATAAGGTTAGATAATTTTTTTCTATTTGGTTTTACTAAATTTAT-3'
Protein context (NP_940980.4, residues 1303-1323): HLNFDFKHIG[Cys1313Tyr]KAKDIIRFLQ

ClinVar aggregate classification (germline): Uncertain significance (1 of 4 stars; one submission).

Conditions:
Inborn genetic diseases. Identifiers: MedGen C0950123, MeSH D030342.

gnomAD v4.1: 2 of 1,610,558 alleles (0.00012%); highest among the groups gnomAD compares: South Asian, 0.0022%; no homozygotes.

Submission:

Ambry Genetics
Classification: Uncertain significance for Inborn genetic diseases. Last evaluated: 2024-05-31. Review status: criteria provided, single submitter. Criteria: Ambry Variant Classification Scheme 2023. Collection method: clinical testing. Allele origin: germline.
Comment: The p.C1313Y variant (also known as c.3938G>A), located in coding exon 28 of the LRRK2 gene, results from a G to A substitution at nucleotide position 3938. The cysteine at codon 1313 is replaced by tyrosine, an amino acid with highly dissimilar properties. This amino acid position is conserved. In addition, this alteration is predicted to be tolerated by in silico analysis. Based on the available evidence, the clinical significance of this variant remains unclear.